The following is an entry in ClinVar:

ClinVar aggregate classification (germline): Uncertain significance (1 of 4 stars; one submission).

Conditions:
Galactosylceramide beta-galactosidase deficiency. Also called: Leukodystrophy, Globoid Cell; Krabbe Disease; GALACTOCEREBROSIDASE DEFICIENCY; GALC DEFICIENCY; GLOBOID CELL LEUKOENCEPHALOPATHY. Identifiers: Orphanet 487, MedGen C0023521, MONDO:0009499, OMIM 245200.

Submission:

Labcorp Genetics (formerly Invitae), Labcorp
Classification: Uncertain significance for Galactosylceramide beta-galactosidase deficiency. Last evaluated: 2022-04-22. Review status: criteria provided, single submitter. Criteria: Invitae Variant Classification Sherloc (09022015). Collection method: clinical testing. Allele origin: germline.
Comment: This sequence change replaces valine, which is neutral and non-polar, with isoleucine, which is neutral and non-polar, at codon 361 of the GALC protein (p.Val361Ile). This variant is not present in population databases (gnomAD no frequency). This variant has not been reported in the literature in individuals affected with GALC-related conditions. Algorithms developed to predict the effect of missense changes on protein structure and function (SIFT, PolyPhen-2, Align-GVGD) all suggest that this variant is likely to be tolerated. In summary, the available evidence is currently insufficient to determine the role of this variant in disease. Therefore, it has been classified as a Variant of Uncertain Significance.

NM_000153.4(GALC):c.1081G>A (p.Val361Ile)

Gene: GALC (galactosylceramidase; minus strand). Cytogenetic location: 14q31.3.
Variant type: single nucleotide variant.
Coding change: c.1081G>A on transcript NM_000153.4 (MANE Select); coding-DNA position 1081, G replaced by A.
Protein change: p.Val361Ile; replaces valine 361 with isoleucine.
Molecular consequence: missense variant.
Genome position (GRCh38, 1-based): chr14:87,963,464, C>T on the plus strand (G>A on the coding strand, the complement: GALC is on the minus strand). VCF-style: chr14-87963464-C-T. GRCh37 (hg19) VCF-style: chr14-88429808-C-T.
Other names: c.1012G>A, p.Val338Ile (NM_001201401.2); c.1003G>A, p.Val335Ile (NM_001201402.2); short protein forms V361I, V338I, V335I.
Identifiers: ClinVar variation 2129263 (VCV002129263.1), dbSNP rs2503431161, ClinGen allele CA390747283.